The following is an entry in ClinVar:

NM_003245.4(TGM3):c.1413A>G (p.Ser471=)

Gene: TGM3 (transglutaminase 3; plus strand). Cytogenetic location: 20p13.
Variant type: single nucleotide variant.
Coding change: c.1413A>G on transcript NM_003245.4 (MANE Select); coding-DNA position 1413, A replaced by G.
Protein change: p.Ser471=; no amino-acid change (serine 471 retained).
Molecular consequence: synonymous variant.
Genome position (GRCh38, 1-based): chr20:2,332,081, A>G. VCF-style: chr20-2332081-A-G. GRCh37 (hg19) VCF-style: chr20-2312727-A-G.
Identifiers: ClinVar variation 739036 (VCV000739036.5), dbSNP rs1042616, ClinGen allele CA9731189.

ClinVar aggregate classification (germline): Likely benign. Review status: criteria provided, single submitter (1 of 4 stars). 2 submissions from 2 submitters: Likely benign (1). 1 of the submissions does not count toward it. Last evaluated 2018-06-26.

Conditions:
TGM3-related disorder. Also called: TGM3-related condition.

Allele frequency attached by ClinVar (database versions not stated): gnomAD exomes 0.00007 and 0.00015; ExAC 0.00019; ESP Exome Variant Server 0.00046; gnomAD 0.00058; TOPMed 0.00059; 1000 Genomes Project 30x 0.00094; 1000 Genomes Project 0.00100.
gnomAD v4.1: 206 of 1,614,222 alleles (0.013%); highest among the groups gnomAD compares: African/African-American, 0.18%; 1 homozygote.

Submissions (2):

Labcorp Genetics (formerly Invitae), Labcorp
Classification: Likely benign. Last evaluated: 2018-06-26. Review status: criteria provided, single submitter. Criteria: Invitae Variant Classification Sherloc (09022015). Collection method: clinical testing. Allele origin: germline.

PreventionGenetics, part of Exact Sciences
Classification: Likely benign for TGM3-related condition. Last evaluated: 2019-03-12. Review status: no assertion criteria provided. Collection method: clinical testing. Allele origin: germline. Not counted in ClinVar's aggregate classification.
Comment: This variant is classified as likely benign based on ACMG/AMP sequence variant interpretation guidelines (Richards et al. 2015 PMID: 25741868, with internal and published modifications).